The following is an entry in ClinVar:

ClinVar aggregate classification (germline): Pathogenic (1 of 4 stars; one submission).

Submission:

Labcorp Genetics (formerly Invitae), Labcorp
Classification: Pathogenic. Last evaluated: 2025-03-31. Review status: criteria provided, single submitter. Criteria: Invitae Variant Classification Sherloc (09022015). Collection method: clinical testing. Allele origin: germline.
Comment: This sequence change creates a premature translational stop signal (p.Gln96*) in the CCDC88A gene. It is expected to result in an absent or disrupted protein product. Loss-of-function variants in CCDC88A are known to be pathogenic (PMID: 26917597, 30392057). This variant is not present in population databases (gnomAD no frequency). This variant has not been reported in the literature in individuals affected with CCDC88A-related conditions. ClinVar contains an entry for this variant (Variation ID: 2819653). For these reasons, this variant has been classified as Pathogenic.

Literature cited by the submitters: PubMed 26917597; PubMed 30392057.

NM_001365480.1(CCDC88A):c.286C>T (p.Gln96Ter)

Gene: CCDC88A (coiled-coil and HOOK domain protein 88A; minus strand). Cytogenetic location: 2p16.1.
Variant type: single nucleotide variant.
Coding change: c.286C>T on transcript NM_001365480.1 (MANE Select); coding-DNA position 286, C replaced by T.
Protein change: p.Gln96Ter; replaces glutamine 96 with a stop codon.
Molecular consequence: nonsense.
Genome position (GRCh38, 1-based): chr2:55,374,871, G>A on the plus strand (C>T on the coding strand, the complement: CCDC88A is on the minus strand). VCF-style: chr2-55374871-G-A. GRCh37 (hg19) VCF-style: chr2-55602007-G-A.
Other names: c.286C>T, p.Gln96Ter (NM_001135597.2, NM_001254943.2, NM_018084.5); short protein forms Q96*.
Identifiers: ClinVar variation 2819653 (VCV002819653.3), dbSNP rs1433157966, ClinGen allele CA346899687.